The following is an entry in ClinVar:

NM_014003.4(DHX38):c.3385T>C (p.Tyr1129His)

Gene: DHX38 (DEAH-box helicase 38; plus strand). Cytogenetic location: 16q22.2.
Variant type: single nucleotide variant.
Coding change: c.3385T>C on transcript NM_014003.4 (MANE Select); coding-DNA position 3385, T replaced by C.
Protein change: p.Tyr1129His; replaces tyrosine 1129 with histidine.
Molecular consequence: missense variant.
Genome position (GRCh38, 1-based): chr16:72,109,418, T>C. VCF-style: chr16-72109418-T-C. GRCh37 (hg19) VCF-style: chr16-72143317-T-C.
Other names: short protein forms Y1129H.
Identifiers: ClinVar variation 1361897 (VCV001361897.6), dbSNP rs2144176851, ClinGen allele CA396717110.
Genomic context (GRCh38, chr16:72,109,418, plus strand): 5'-TCTGGGAGGGACATTGGCCCTCCTGTGACCCTCGCCTCCCTGCCCTTCTGCCCGCAGGAG[T>C]ATATGCAGTGTGTGACCGCTGTGGACGGGGAGTGGCTGGCGGAGCTGGGCCCCATGTTCT-3'
Protein context (NP_054722.2, residues 1119-1139): YHELVMTTKE[Tyr1129His]MQCVTAVDGE

ClinVar aggregate classification (germline): Uncertain significance (1 of 4 stars; one submission).

Submission:

Labcorp Genetics (formerly Invitae), Labcorp
Classification: Uncertain significance. Last evaluated: 2021-07-28. Review status: criteria provided, single submitter. Criteria: Invitae Variant Classification Sherloc (09022015). Collection method: clinical testing. Allele origin: germline.
Comment: In summary, the available evidence is currently insufficient to determine the role of this variant in disease. Therefore, it has been classified as a Variant of Uncertain Significance. Algorithms developed to predict the effect of missense changes on protein structure and function (SIFT, PolyPhen-2, Align-GVGD) all suggest that this variant is likely to be disruptive. This variant has not been reported in the literature in individuals affected with DHX38-related conditions. This variant is not present in population databases (ExAC no frequency). This sequence change replaces tyrosine with histidine at codon 1129 of the DHX38 protein (p.Tyr1129His). The tyrosine residue is highly conserved and there is a moderate physicochemical difference between tyrosine and histidine.